The following is an entry in ClinVar:

ClinVar aggregate classification (germline): Uncertain significance. Review status: criteria provided, multiple submitters, no conflicts (2 of 4 stars). 2 submissions from 2 submitters: Uncertain significance (2). Last evaluated 2024-12-11.

Conditions:
Charcot-Marie-Tooth disease, type I (CMT1). Also called: Charcot-Marie-Tooth, Type 1; Charcot-Marie-Tooth disease type 1. Identifiers: Orphanet 65753, MedGen C0751036, MONDO:0019011.

Submissions (2):

GeneDx
Classification: Uncertain significance. Last evaluated: 2024-12-11. Review status: criteria provided, single submitter. Criteria: GeneDx Variant Classification Process June 2021. Collection method: clinical testing. Allele origin: germline. Affected: yes.
Comment: Previously reported as a variant of uncertain significance in an individual with CMT (PMID: 32376792); Not observed at significant frequency in large population cohorts (gnomAD); In-frame duplication of 1 amino acid in a non-repeat region; This variant is associated with the following publications: (PMID: 32376792)

Labcorp Genetics (formerly Invitae), Labcorp
Classification: Uncertain significance for Charcot-Marie-Tooth disease, type I. Last evaluated: 2021-02-22. Review status: criteria provided, single submitter. Criteria: Invitae Variant Classification Sherloc (09022015). Collection method: clinical testing. Allele origin: germline.
Comment: This variant, c.594_596dup, results in the insertion of 1 amino acid(s) to the EGR2 protein (p.Ser199dup), but otherwise preserves the integrity of the reading frame. This variant is not present in population databases (ExAC no frequency). This variant has not been reported in the literature in individuals with EGR2-related conditions. ClinVar contains an entry for this variant (Variation ID: 947970). Experimental studies and prediction algorithms are not available or were not evaluated, and the functional significance of this variant is currently unknown. In summary, the available evidence is currently insufficient to determine the role of this variant in disease. Therefore, it has been classified as a Variant of Uncertain Significance.

NM_000399.5(EGR2):c.594_596dup (p.Ser199dup)

Gene: EGR2 (early growth response 2; minus strand). Cytogenetic location: 10q21.3.
Variant type: Duplication.
Coding change: c.594_596dup on transcript NM_000399.5 (MANE Select); coding-DNA positions 594 to 596, 3 bases duplicated (CTC; older notation c.594_596dupCTC).
Protein change: p.Ser199dup; duplicates serine 199.
Molecular consequence: inframe insertion.
Genome position (GRCh38, 1-based): chr10:62,814,042-62,814,044, GAG duplicated on the plus strand (CTC on the coding strand, the reverse complement: EGR2 is on the minus strand); duplicating any 3 consecutive bases within chr10:62,814,042-62,814,046 gives the same sequence; the c. name uses the placement nearest the transcript's 3' end. VCF-style (leftmost placement, unchanged base first): chr10-62814041-A-AGAG. GRCh37 (hg19) VCF-style: chr10-64573801-A-AGAG.
Other names: c.594_596dup, p.Ser199dup (NM_001136177.3, NM_001136178.2); c.444_446dup, p.Ser149dup (NM_001136179.3, NM_001321037.2).
Identifiers: ClinVar variation 947970 (VCV000947970.10), dbSNP rs750792592, ClinGen allele CA208351834.